The following is an entry in ClinVar:

NM_001145358.2(SIN3A):c.2314C>T (p.Pro772Ser)

Gene: SIN3A (SIN3 transcription regulator family member A; minus strand). Cytogenetic location: 15q24.2.
Variant type: single nucleotide variant.
Coding change: c.2314C>T on transcript NM_001145358.2 (MANE Select); coding-DNA position 2314, C replaced by T.
Protein change: p.Pro772Ser; replaces proline 772 with serine.
Molecular consequence: missense variant.
Genome position (GRCh38, 1-based): chr15:75,392,779, G>A on the plus strand (C>T on the coding strand, the complement: SIN3A is on the minus strand). VCF-style: chr15-75392779-G-A. GRCh37 (hg19) VCF-style: chr15-75685120-G-A.
Other names: c.2314C>T, p.Pro772Ser (NM_001145357.2, NM_015477.3); short protein forms P772S.
Identifiers: ClinVar variation 2250078 (VCV002250078.5), dbSNP rs145160587, ClinGen allele CA7667464.
Genomic context (GRCh38, chr15:75,392,779, plus strand): 5'-CAGCAGCATCTTCCAGTATTTGTTTGTCTTCATACGCAAGTGAGAGGTGTGGGCCAACAG[G>A]TACACCAGCATTCTCCTCCGTAGCCTGCTCTTGCCTCTGATGGGACAGAGACACAAAAGT-3'
Protein context (NP_001138830.1, residues 762-782): EQATEENAGV[Pro772Ser]VGPHLSLAYE

ClinVar aggregate classification (germline): Uncertain significance. Review status: criteria provided, multiple submitters, no conflicts (2 of 4 stars). 2 submissions from 2 submitters: Uncertain significance (2). Last evaluated 2024-10-21.

Conditions:
Inborn genetic diseases. Identifiers: MedGen C0950123, MeSH D030342.

Allele frequency attached by ClinVar (database versions not stated): gnomAD 0.00001; ExAC 0.00002; TOPMed 0.00002; ESP Exome Variant Server 0.00008.
gnomAD v4.1: 87 of 1,613,482 alleles (0.0054%); highest among the groups gnomAD compares: Non-Finnish European, 0.0071%; no homozygotes.

Submissions (2):

Ambry Genetics
Classification: Uncertain significance for Inborn genetic diseases. Last evaluated: 2024-10-21. Review status: criteria provided, single submitter. Criteria: Ambry Variant Classification Scheme 2023. Collection method: clinical testing. Allele origin: germline.

Labcorp Genetics (formerly Invitae), Labcorp
Classification: Uncertain significance. Last evaluated: 2024-03-27. Review status: criteria provided, single submitter. Criteria: Invitae Variant Classification Sherloc (09022015). Collection method: clinical testing. Allele origin: germline.
Comment: This sequence change replaces proline, which is neutral and non-polar, with serine, which is neutral and polar, at codon 772 of the SIN3A protein (p.Pro772Ser). This variant is present in population databases (rs145160587, gnomAD 0.004%). This variant has not been reported in the literature in individuals affected with SIN3A-related conditions. ClinVar contains an entry for this variant (Variation ID: 2250078). Advanced modeling of protein sequence and biophysical properties (such as structural, functional, and spatial information, amino acid conservation, physicochemical variation, residue mobility, and thermodynamic stability) performed at Invitae indicates that this missense variant is not expected to disrupt SIN3A protein function with a negative predictive value of 80%. In summary, the available evidence is currently insufficient to determine the role of this variant in disease. Therefore, it has been classified as a Variant of Uncertain Significance.